The following is an entry in ClinVar:

NM_003664.5(AP3B1):c.2890T>C (p.Leu964=)

Gene: AP3B1 (adaptor related protein complex 3 subunit beta 1; minus strand). Cytogenetic location: 5q14.1.
Variant type: single nucleotide variant.
Coding change: c.2890T>C on transcript NM_003664.5 (MANE Select); coding-DNA position 2890, T replaced by C.
Protein change: p.Leu964=; no amino-acid change (leucine 964 retained).
Molecular consequence: synonymous variant.
Genome position (GRCh38, 1-based): chr5:78,034,365, A>G on the plus strand (T>C on the coding strand, the complement: AP3B1 is on the minus strand). VCF-style: chr5-78034365-A-G. GRCh37 (hg19) VCF-style: chr5-77330189-A-G.
Other names: c.2743T>C, p.Leu915= (NM_001271769.2); c.2890T>C (NM_003664.4).
Identifiers: ClinVar variation 625888 (VCV000625888.8), dbSNP rs750377910, ClinGen allele CA3316652.
Genomic context (GRCh38, chr5:78,034,365, plus strand): 5'-TTTGATCTGCTATCCTTTACAGGTTATATAAAAAATAGAAGAACAATTGAACTTACCACA[A>G]CTGGAAACTGGCAGTCTGAGTAGAATCACAAAAGTCAATACCCATTGAAACTGTAATGGA-3'
Protein context (NP_003655.3, residues 954-974): CDSTQTASFQ[Leu964=]CTKDDCFNVN

ClinVar aggregate classification (germline): Conflicting classifications of pathogenicity. Review status: criteria provided, conflicting classifications (1 of 4 stars). 4 submissions from 4 submitters: Uncertain significance (1); Likely benign (3). Last evaluated 2026-04-21.

Conditions:
Hermansky-Pudlak syndrome 2 (HPS2). Also called: Platelet defects and oculocutaneous albinism. Identifiers: Orphanet 183678, Orphanet 79430, MedGen C1842362, MONDO:0011997, OMIM 608233.
AP3B1-related disorder. Also called: AP3B1-related condition.

Allele frequency attached by ClinVar (database versions not stated): gnomAD 0.00001; TOPMed 0.00001; ExAC 0.00002; gnomAD exomes 0.00002.
gnomAD v4.1: 6 of 1,609,692 alleles (0.00037%); highest among the groups gnomAD compares: East Asian, 0.011%; no homozygotes.

Submissions (4):

PreventionGenetics, part of Exact Sciences
Classification: Likely benign for AP3B1-related condition. Last evaluated: 2026-04-21. Review status: criteria provided, single submitter. Criteria: ACMG Guidelines, 2015. Collection method: clinical testing. Allele origin: germline.
Comment: This variant is classified as likely benign based on ACMG/AMP sequence variant interpretation guidelines (Richards et al. 2015 PMID: 25741868, with internal and published modifications).

Labcorp Genetics (formerly Invitae), Labcorp
Classification: Likely benign for Hermansky-Pudlak syndrome 2. Last evaluated: 2025-12-08. Review status: criteria provided, single submitter. Criteria: Invitae Variant Classification Sherloc (09022015). Collection method: clinical testing. Allele origin: germline.

Blueprint Genetics
Classification: Likely benign. Last evaluated: 2023-08-10. Review status: criteria provided, single submitter. Criteria: ACMG Guidelines, 2015. Collection method: clinical testing. Allele origin: germline.

Center for Genomics, Ann and Robert H. Lurie Children's Hospital of Chicago
Classification: Uncertain significance for Hermansky-Pudlak syndrome 2. Last evaluated: 2021-03-30. Review status: criteria provided, single submitter. Criteria: ACMG Guidelines, 2015. Collection method: clinical testing. Allele origin: germline.
Comment: AP3B1 NM_003664 exon 24 p.Leu964Leu (c.2890T>C): This variant has not been reported in the literature but is present in 4/17240 East Asian alleles in the Genome Aggregation Database. Evolutionary conservation and computational predictive tools for this variant are limited or unavailable. Of note, this variant is a silent variant and does not change the amino acid, reducing the probability that this variant is disease causing. In summary, data on this variant is insufficient for disease classification. Therefore, the clinical significance of this variant is uncertain.